The following is an entry in ClinVar:

ClinVar aggregate classification (germline): Uncertain significance. Review status: criteria provided, multiple submitters, no conflicts (2 of 4 stars). 3 submissions from 3 submitters: Uncertain significance (3). Last evaluated 2025-04-29.

Conditions:
Inborn genetic diseases. Identifiers: MedGen C0950123, MeSH D030342.

Allele frequency attached by ClinVar (database versions not stated): TOPMed below 0.00001; gnomAD 0.00001; 1000 Genomes Project 30x 0.00016; 1000 Genomes Project 0.00020.

Submissions (3):

GeneDx
Classification: Uncertain significance. Last evaluated: 2025-04-29. Review status: criteria provided, single submitter. Criteria: GeneDx Variant Classification Process June 2021. Collection method: clinical testing. Allele origin: germline.
Comment: Not observed at significant frequency in large population cohorts (gnomAD); In silico analysis supports that this missense variant has a deleterious effect on protein structure/function; Has not been previously published as pathogenic or benign to our knowledge

Ambry Genetics
Classification: Uncertain significance for Inborn genetic diseases. Last evaluated: 2023-06-01. Review status: criteria provided, single submitter. Criteria: Ambry Variant Classification Scheme 2023. Collection method: clinical testing. Allele origin: germline.

Labcorp Genetics (formerly Invitae), Labcorp
Classification: Uncertain significance. Last evaluated: 2022-09-19. Review status: criteria provided, single submitter. Criteria: Invitae Variant Classification Sherloc (09022015). Collection method: clinical testing. Allele origin: germline.
Comment: This sequence change replaces arginine, which is basic and polar, with cysteine, which is neutral and slightly polar, at codon 312 of the HSD11B2 protein (p.Arg312Cys). This variant is present in population databases (rs564896195, gnomAD 0.003%). This variant has not been reported in the literature in individuals affected with HSD11B2-related conditions. Algorithms developed to predict the effect of missense changes on protein structure and function are either unavailable or do not agree on the potential impact of this missense change (SIFT: "Deleterious"; PolyPhen-2: "Benign"; Align-GVGD: "Class C0"). In summary, the available evidence is currently insufficient to determine the role of this variant in disease. Therefore, it has been classified as a Variant of Uncertain Significance.

NM_000196.4(HSD11B2):c.934C>T (p.Arg312Cys)

Gene: HSD11B2 (hydroxysteroid 11-beta dehydrogenase 2; plus strand). Cytogenetic location: 16q22.1.
Variant type: single nucleotide variant.
Coding change: c.934C>T on transcript NM_000196.4 (MANE Select); coding-DNA position 934, C replaced by T.
Protein change: p.Arg312Cys; replaces arginine 312 with cysteine.
Molecular consequence: missense variant.
Genome position (GRCh38, 1-based): chr16:67,436,719, C>T. VCF-style: chr16-67436719-C-T. GRCh37 (hg19) VCF-style: chr16-67470622-C-T.
Other names: c.934C>T (NM_000196.3); short protein forms R312C.
Identifiers: ClinVar variation 1950949 (VCV001950949.8), dbSNP rs564896195, ClinGen allele CA8110781.